The following is an entry in ClinVar:

NM_014423.4(AFF4):c.3242C>G (p.Ser1081Cys)

Gene: AFF4 (ALF transcription elongation factor 4; minus strand). Cytogenetic location: 5q31.1.
Variant type: single nucleotide variant.
Coding change: c.3242C>G on transcript NM_014423.4 (MANE Select); coding-DNA position 3242, C replaced by G.
Protein change: p.Ser1081Cys; replaces serine 1081 with cysteine.
Molecular consequence: missense variant.
Genome position (GRCh38, 1-based): chr5:132,883,462, G>C on the plus strand (C>G on the coding strand, the complement: AFF4 is on the minus strand). VCF-style: chr5-132883462-G-C. GRCh37 (hg19) VCF-style: chr5-132219154-G-C.
Other names: c.3242C>G (NM_014423.3); short protein forms S1081C.
Identifiers: ClinVar variation 2891150 (VCV002891150.5), dbSNP rs772721392, ClinGen allele CA3408705.

ClinVar aggregate classification (germline): Uncertain significance. Review status: criteria provided, multiple submitters, no conflicts (2 of 4 stars). 3 submissions from 3 submitters: Uncertain significance (2). 1 of the submissions does not count toward it. Last evaluated 2025-11-13.

Conditions:
Cognitive impairment - coarse facies - heart defects - obesity - pulmonary involvement - short stature - skeletal dysplasia syndrome. Also called: COGNITIVE IMPAIRMENT, COARSE FACIES, HEART DEFECTS, OBESITY, PULMONARY INVOLVEMENT, SHORT STATURE, AND SKELETAL DYSPLASIA; Chops syndrome; AFF4-Related CHOPS Syndrome. Identifiers: Orphanet 444077, MedGen C4085597, MONDO:0014609, OMIM 616368.
Inborn genetic diseases. Identifiers: MedGen C0950123, MeSH D030342.
AFF4-related disorder. Also called: AFF4-related condition.

Allele frequency attached by ClinVar (database versions not stated): TOPMed below 0.00001; gnomAD 0.00003.
gnomAD v4.1: 24 of 1,613,934 alleles (0.0015%); highest among the groups gnomAD compares: Non-Finnish European, 0.002%; no homozygotes.

Submissions (3):

Ambry Genetics
Classification: Uncertain significance for Inborn genetic diseases. Last evaluated: 2025-11-13. Review status: criteria provided, single submitter. Criteria: Ambry Variant Classification Scheme 2023. Collection method: clinical testing. Allele origin: germline.

Labcorp Genetics (formerly Invitae), Labcorp
Classification: Uncertain significance for Cognitive impairment - coarse facies - heart defects - obesity - pulmonary involvement - short stature - skeletal dysplasia syndrome. Last evaluated: 2023-04-06. Review status: criteria provided, single submitter. Criteria: Invitae Variant Classification Sherloc (09022015). Collection method: clinical testing. Allele origin: germline.
Comment: In summary, the available evidence is currently insufficient to determine the role of this variant in disease. Therefore, it has been classified as a Variant of Uncertain Significance. Advanced modeling of protein sequence and biophysical properties (such as structural, functional, and spatial information, amino acid conservation, physicochemical variation, residue mobility, and thermodynamic stability) performed at Invitae indicates that this missense variant is expected to disrupt AFF4 protein function. This variant has not been reported in the literature in individuals affected with AFF4-related conditions. This variant is present in population databases (rs772721392, gnomAD 0.002%). This sequence change replaces serine, which is neutral and polar, with cysteine, which is neutral and slightly polar, at codon 1081 of the AFF4 protein (p.Ser1081Cys).

PreventionGenetics, part of Exact Sciences
Classification: Uncertain significance for AFF4-related condition. Last evaluated: 2024-09-06. Review status: no assertion criteria provided. Collection method: clinical testing. Allele origin: germline. Not counted in ClinVar's aggregate classification.
Comment: The AFF4 c.3242C>G variant is predicted to result in the amino acid substitution p.Ser1081Cys. To our knowledge, this variant has not been reported in the literature. This variant is reported in 0.0018% of alleles in individuals of European (Non-Finnish) descent in gnomAD. At this time, the clinical significance of this variant is uncertain due to the absence of conclusive functional and genetic evidence.